The following is an entry in ClinVar:

NM_002335.4(LRP5):c.3468G>A (p.Gln1156=)

Gene: LRP5 (LDL receptor related protein 5; plus strand). Cytogenetic location: 11q13.2.
Variant type: single nucleotide variant.
Coding change: c.3468G>A on transcript NM_002335.4 (MANE Select); coding-DNA position 3468, G replaced by A.
Protein change: p.Gln1156=; no amino-acid change (glutamine 1156 retained).
Molecular consequence: synonymous variant.
Genome position (GRCh38, 1-based): chr11:68,426,018, G>A. VCF-style: chr11-68426018-G-A. GRCh37 (hg19) VCF-style: chr11-68193486-G-A.
Other names: c.1725G>A, p.Gln575= (NM_001291902.2).
Identifiers: ClinVar variation 1594536 (VCV001594536.13), dbSNP rs724159825, ClinGen allele CA6150007.
Genomic context (GRCh38, chr11:68,426,018, plus strand): 5'-GGCCCACGGGCTGCTTGCAGGGGCCAACCGCCTGACCCTGGAGGACGCCAACATCGTGCA[G>A]CCTCTGGGCCTGACCATCCTTGGCAAGCATCTCTACTGGATCGACCGCCAGCAGCAGATG-3'
Protein context (NP_002326.2, residues 1146-1166): RLTLEDANIV[Gln1156=]PLGLTILGKH

ClinVar aggregate classification (germline): Benign/Likely benign. Review status: criteria provided, multiple submitters, no conflicts (2 of 4 stars). 4 submissions from 4 submitters: Benign (1); Likely benign (3). Last evaluated 2025-11-30.

Conditions:
LRP5-related disorder. Also called: LRP5-related condition.
Osteogenesis imperfecta (OI). Identifiers: Orphanet 666, MedGen C0029434, MeSH D010013, MONDO:0019019.

Allele frequency attached by ClinVar (database versions not stated): TOPMed 0.00006; ExAC 0.00013; gnomAD exomes 0.00015.
gnomAD v4.1: 32 of 1,613,052 alleles (0.002%); highest among the groups gnomAD compares: East Asian, 0.069%; no homozygotes.

Submissions (4):

Labcorp Genetics (formerly Invitae), Labcorp
Classification: Benign. Last evaluated: 2025-11-30. Review status: criteria provided, single submitter. Criteria: Invitae Variant Classification Sherloc (09022015). Collection method: clinical testing. Allele origin: germline.

PreventionGenetics, part of Exact Sciences
Classification: Likely benign for LRP5-related condition. Last evaluated: 2025-07-10. Review status: criteria provided, single submitter. Criteria: ACMG Guidelines, 2015. Collection method: clinical testing. Allele origin: germline.
Comment: This variant is classified as likely benign based on ACMG/AMP sequence variant interpretation guidelines (Richards et al. 2015 PMID: 25741868, with internal and published modifications).

Blueprint Genetics
Classification: Likely benign. Last evaluated: 2024-09-08. Review status: criteria provided, single submitter. Criteria: ACMG Guidelines, 2015. Collection method: clinical testing. Allele origin: germline.

Genome Diagnostics Laboratory, The Hospital for Sick Children
Classification: Likely benign for Osteogenesis imperfecta. Last evaluated: 2020-08-10. Review status: criteria provided, single submitter. Criteria: ACMG Guidelines, 2015. Collection method: clinical testing. Allele origin: germline.